The following is an entry in ClinVar:

NM_004370.6(COL12A1):c.1135G>A (p.Ala379Thr)

Gene: COL12A1 (collagen type XII alpha 1 chain; minus strand). Cytogenetic location: 6q13.
Variant type: single nucleotide variant.
Coding change: c.1135G>A on transcript NM_004370.6 (MANE Select); coding-DNA position 1135, G replaced by A.
Protein change: p.Ala379Thr; replaces alanine 379 with threonine.
Molecular consequence: missense variant. On other transcripts: intron variant (1).
Genome position (GRCh38, 1-based): chr6:75,184,007, C>T on the plus strand (G>A on the coding strand, the complement: COL12A1 is on the minus strand). VCF-style: chr6-75184007-C-T. GRCh37 (hg19) VCF-style: chr6-75893723-C-T.
Other names: c.73+18713G>A (NM_080645.3); short protein forms A379T.
Identifiers: ClinVar variation 853719 (VCV000853719.8), dbSNP rs779083996, ClinGen allele CA141030720.

ClinVar aggregate classification (germline): Uncertain significance (1 of 4 stars; one submission).

Conditions:
Ullrich congenital muscular dystrophy 2 (UCMD2). Identifiers: Orphanet 75840, MedGen C4225314, MONDO:0014654, OMIM 616470.
Bethlem myopathy 2 (BTHLM2). Identifiers: Orphanet 536516, Orphanet 610, MedGen C4225313, MONDO:0034022, OMIM 616471.

Allele frequency attached by ClinVar (database versions not stated): TOPMed 0.00001.
gnomAD v4.1: 4 of 1,614,030 alleles (0.00025%); highest among the groups gnomAD compares: East Asian, 0.0022%; no homozygotes.

Submission:

Labcorp Genetics (formerly Invitae), Labcorp
Classification: Uncertain significance for Bethlem myopathy 2; Ullrich congenital muscular dystrophy 2. Last evaluated: 2022-02-03. Review status: criteria provided, single submitter. Criteria: Invitae Variant Classification Sherloc (09022015). Collection method: clinical testing. Allele origin: germline.
Comment: In summary, the available evidence is currently insufficient to determine the role of this variant in disease. Therefore, it has been classified as a Variant of Uncertain Significance. Algorithms developed to predict the effect of missense changes on protein structure and function are either unavailable or do not agree on the potential impact of this missense change (SIFT: "Deleterious"; PolyPhen-2: "Benign"; Align-GVGD: "Class C0"). ClinVar contains an entry for this variant (Variation ID: 853719). This variant has not been reported in the literature in individuals affected with COL12A1-related conditions. This variant is not present in population databases (gnomAD no frequency). This sequence change replaces alanine, which is neutral and non-polar, with threonine, which is neutral and polar, at codon 379 of the COL12A1 protein (p.Ala379Thr).